The following is an entry in ClinVar:

ClinVar aggregate classification (germline): Uncertain significance. Review status: criteria provided, multiple submitters, no conflicts (2 of 4 stars). 3 submissions from 3 submitters: Uncertain significance (2). 1 of the submissions does not count toward it. Last evaluated 2021-09-01.

Conditions:
Inborn genetic diseases. Identifiers: MedGen C0950123, MeSH D030342.
Cohen syndrome (COH1). Also called: PEPPER SYNDROME; Cutis verticis gyrata, retinitis pigmentosa, and sensorineural deafness. Identifiers: Orphanet 193, MedGen C0265223, MONDO:0008999, OMIM 216550.

Allele frequency attached by ClinVar (database versions not stated): gnomAD exomes 0.00001; TOPMed 0.00001.
gnomAD v4.1: 10 of 1,614,034 alleles (0.00062%); highest among the groups gnomAD compares: Non-Finnish European, 0.00076%; no homozygotes.

Submissions (3):

Labcorp Genetics (formerly Invitae), Labcorp
Classification: Uncertain significance for Cohen syndrome. Last evaluated: 2021-09-01. Review status: criteria provided, single submitter. Criteria: Invitae Variant Classification Sherloc (09022015). Collection method: clinical testing. Allele origin: germline.

Ambry Genetics
Classification: Uncertain significance for Inborn genetic diseases. Last evaluated: 2016-07-18. Review status: criteria provided, single submitter. Criteria: Ambry Variant Classification Scheme 2023. Collection method: clinical testing. Allele origin: germline.
Comment: The p.S2446C variant (also known as c.7337C>G), located in coding exon 40 of the VPS13B gene, results from a C to G substitution at nucleotide position 7337. The serine at codon 2446 is replaced by cysteine, an amino acid with dissimilar properties. This variant was not reported in population based cohorts in the following databases: Database of Single Nucleotide Polymorphisms (dbSNP), NHLBI Exome Sequencing Project (ESP), and 1000 Genomes Project. In the ESP, this variant was not observed in 6503 samples (13006 alleles) with coverage at this position. This amino acid position is highly conserved in available vertebrate species. In addition, the in silico prediction for this alteration is inconclusive. Since supporting evidence is limited at this time, the clinical significance of this alteration remains unclear.

Natera, Inc.
Classification: Uncertain significance for Cohen syndrome. Last evaluated: 2021-03-03. Review status: no assertion criteria provided. Collection method: clinical testing. Allele origin: germline. Not counted in ClinVar's aggregate classification.

NM_152564.5(VPS13B):c.7262C>G (p.Ser2421Cys)

Gene: VPS13B (vacuolar protein sorting 13 homolog B; plus strand). Cytogenetic location: 8q22.2.
Variant type: single nucleotide variant.
Coding change: c.7262C>G on transcript NM_152564.5 (MANE Select); coding-DNA position 7262, C replaced by G.
Protein change: p.Ser2421Cys; replaces serine 2421 with cysteine.
Molecular consequence: missense variant.
Genome position (GRCh38, 1-based): chr8:99,776,789, C>G. VCF-style: chr8-99776789-C-G. GRCh37 (hg19) VCF-style: chr8-100789017-C-G.
Other names: c.7337C>G, p.Ser2446Cys (NM_017890.5); short protein forms S2421C, S2446C.
Identifiers: ClinVar variation 588073 (VCV000588073.12), dbSNP rs1016168403, ClinGen allele CA183041702.
Genomic context (GRCh38, chr8:99,776,789, plus strand): 5'-GGGAAATTTTGGTTATTGAACTTCTTTTATCACTTCTTTCCCATAGCTCTGCAAGTGAGT[C>G]TGGTTCTCAAAGCACTTGTGATCCACTTGTGACTCCAACAGCCCTGGCTGCCTGTACCAG-3'
Protein context (NP_689777.3, residues 2411-2431): GADDQSSASE[Ser2421Cys]GSQSTCDPLV